The following is an entry in ClinVar:

NM_001374828.1(ARID1B):c.3136A>G (p.Ser1046Gly)

Gene: ARID1B (AT-rich interaction domain 1B; plus strand). Cytogenetic location: 6q25.3.
Variant type: single nucleotide variant.
Coding change: c.3136A>G on transcript NM_001374828.1 (MANE Select); coding-DNA position 3136, A replaced by G.
Protein change: p.Ser1046Gly; replaces serine 1046 with glycine.
Molecular consequence: missense variant.
Genome position (GRCh38, 1-based): chr6:157,167,086, A>G. VCF-style: chr6-157167086-A-G. GRCh37 (hg19) VCF-style: chr6-157488220-A-G.
Other names: c.637A>G, p.Ser213Gly (NM_001363725.2); c.3175A>G, p.Ser1059Gly (NM_001371656.1, NM_001374820.1); c.3136A>G, p.Ser1046Gly (NM_017519.3); short protein forms S213G, S1059G, S1046G.
Identifiers: ClinVar variation 3670711 (VCV003670711.2).
Genomic context (GRCh38, chr6:157,167,086, plus strand): 5'-TTCTCTTCCTGTAGGCAAGGCAGTTTCCCCGGCATGAACCAGAGTGGACTTATGGCTTCC[A>G]GCTCTCCCTACAGCCAGCCCATGAACAACAGCTCTAGCCTGATGAACACGCAGGCGCCGC-3'
Protein context (NP_001361757.1, residues 1036-1056): GMNQSGLMAS[Ser1046Gly]SPYSQPMNNS

ClinVar aggregate classification (germline): Uncertain significance (1 of 4 stars; one submission).

gnomAD v4.1: 4 of 1,612,648 alleles (0.00025%); highest among the groups gnomAD compares: African/African-American, 0.0013%; no homozygotes.

Submission:

Labcorp Genetics (formerly Invitae), Labcorp
Classification: Uncertain significance. Last evaluated: 2024-05-29. Review status: criteria provided, single submitter. Criteria: Invitae Variant Classification Sherloc (09022015). Collection method: clinical testing. Allele origin: germline.
Comment: This sequence change replaces serine, which is neutral and polar, with glycine, which is neutral and non-polar, at codon 976 of the ARID1B protein (p.Ser976Gly). This variant is not present in population databases (gnomAD no frequency). This variant has not been reported in the literature in individuals affected with ARID1B-related conditions. Algorithms developed to predict the effect of missense changes on protein structure and function output the following: SIFT: "Not Available"; PolyPhen-2: "Benign"; Align-GVGD: "Not Available". The glycine amino acid residue is found in multiple mammalian species, which suggests that this missense change does not adversely affect protein function. In summary, the available evidence is currently insufficient to determine the role of this variant in disease. Therefore, it has been classified as a Variant of Uncertain Significance.